The following is an entry in ClinVar:

NM_001395656.1(ROBO2):c.639C>G (p.Asp213Glu)

Gene: ROBO2 (roundabout guidance receptor 2; plus strand). Cytogenetic location: 3p12.3.
Variant type: single nucleotide variant.
Coding change: c.639C>G on transcript NM_001395656.1 (MANE Select); coding-DNA position 639, C replaced by G.
Protein change: p.Asp213Glu; replaces aspartic acid 213 with glutamic acid.
Molecular consequence: missense variant. On other transcripts: 5 prime UTR variant (1).
Genome position (GRCh38, 1-based): chr3:77,481,191, C>G. VCF-style: chr3-77481191-C-G. GRCh37 (hg19) VCF-style: chr3-77530342-C-G.
Other names: c.687C>G, p.Asp229Glu (NM_001128929.3, NM_001378190.1, NM_001378191.1 and 5 more transcripts); c.639C>G, p.Asp213Glu (NM_001290039.2, NM_001290040.2, NM_001378193.1 and 3 more transcripts); c.-1280C>G (NM_001290065.2); c.708C>G, p.Asp236Glu (NM_001378192.1, NM_001378194.1, NM_001378198.1 and 5 more transcripts); short protein forms D229E, D236E, D213E.
Identifiers: ClinVar variation 2060525 (VCV002060525.27), dbSNP rs184080216, ClinGen allele CA2496780.

ClinVar aggregate classification (germline): Benign. Review status: criteria provided, multiple submitters, no conflicts (2 of 4 stars). 3 submissions from 3 submitters: Benign (2). 1 of the submissions does not count toward it. Last evaluated 2025-06-12.

Conditions:
ROBO2-related disorder. Also called: ROBO2-related condition.

Allele frequency attached by ClinVar (database versions not stated): 1000 Genomes Project 30x 0.00078; ESP Exome Variant Server 0.00093; 1000 Genomes Project 0.00100.
gnomAD v4.1: 329 of 1,602,134 alleles (0.021%); highest among the groups gnomAD compares: African/African-American, 0.37%; 1 homozygote.

Submissions (3):

Labcorp Genetics (formerly Invitae), Labcorp
Classification: Benign. Last evaluated: 2025-06-12. Review status: criteria provided, single submitter. Criteria: Invitae Variant Classification Sherloc (09022015). Collection method: clinical testing. Allele origin: germline.

CeGaT Center for Human Genetics Tuebingen
Classification: Benign. Last evaluated: 2024-02-01. Review status: criteria provided, single submitter. Criteria: CeGaT Center For Human Genetics Tuebingen Variant Classification Criteria Version 2. Collection method: clinical testing. Allele origin: germline. Affected: yes. Observed: 1 variant allele.
Comment: ROBO2: BS1, BS2

PreventionGenetics, part of Exact Sciences
Classification: Likely benign for ROBO2-related condition. Last evaluated: 2022-02-13. Review status: no assertion criteria provided. Collection method: clinical testing. Allele origin: germline. Not counted in ClinVar's aggregate classification.
Comment: This variant is classified as likely benign based on ACMG/AMP sequence variant interpretation guidelines (Richards et al. 2015 PMID: 25741868, with internal and published modifications).